The following is an entry in ClinVar:

ClinVar aggregate classification (germline): Pathogenic. Review status: criteria provided, multiple submitters, no conflicts (2 of 4 stars). 2 submissions from 2 submitters: Pathogenic (2). Last evaluated 2023-06-12.

Conditions:
Cardiovascular phenotype. Identifiers: MedGen CN230736.
Long QT syndrome (LQTS). Identifiers: MedGen C0023976, MeSH D008133, MONDO:0002442. Disease mechanism: loss of function. Inheritance: Various modes of inheritance.

Submissions (2):

Ambry Genetics
Classification: Pathogenic for Cardiovascular phenotype. Last evaluated: 2023-06-12. Review status: criteria provided, single submitter. Criteria: Ambry Variant Classification Scheme 2023. Collection method: clinical testing. Allele origin: germline.
Comment: The c.1660delG pathogenic mutation, located in coding exon 13 of the KCNQ1 gene, results from a deletion of one nucleotide at nucleotide position 1660, causing a translational frameshift with a predicted alternate stop codon (p.V554Cfs*39). This alteration occurs at the 3' terminus of theKCNQ1 gene, is not expected to trigger nonsense-mediated mRNA decay, and only impacts the last 12% of the protein. However, premature stop codons are typically deleterious in nature and a significant portion of the protein is affected (Ambry internal data). This alteration has been reported in a long QT syndrome cohort (Walsh R et al. Genet Med, 2021 Jan;23:47-58). This variant is considered to be rare based on population cohorts in the Genome Aggregation Database (gnomAD). Based on the supporting evidence, this alteration is interpreted as a disease-causing mutation.

Labcorp Genetics (formerly Invitae), Labcorp
Classification: Pathogenic for Long QT syndrome. Last evaluated: 2023-05-22. Review status: criteria provided, single submitter. Criteria: Invitae Variant Classification Sherloc (09022015). Collection method: clinical testing. Allele origin: germline.
Comment: This variant has not been reported in the literature in individuals affected with KCNQ1-related conditions. For these reasons, this variant has been classified as Pathogenic. This variant disrupts a region of the KCNQ1 protein in which other variant(s) (p.Arg632Glnfs*20) have been determined to be pathogenic (PMID: 10024302, 16981927, 19825999, 23098067, 23631430, 25187895). This suggests that this is a clinically significant region of the protein, and that variants that disrupt it are likely to be disease-causing. Algorithms developed to predict the effect of sequence changes on RNA splicing suggest that this variant may disrupt the consensus splice site. ClinVar contains an entry for this variant (Variation ID: 2023188). This variant is not present in population databases (gnomAD no frequency). This sequence change creates a premature translational stop signal (p.Val554Cysfs*39) in the KCNQ1 gene. While this is not anticipated to result in nonsense mediated decay, it is expected to disrupt the last 123 amino acid(s) of the KCNQ1 protein.

Literature cited by the submitters: PubMed 32893267 (cited by Ambry Genetics); PubMed 10024302 (cited by Labcorp Genetics (formerly Invitae), Labcorp); PubMed 16981927 (cited by Labcorp Genetics (formerly Invitae), Labcorp); PubMed 19825999 (cited by Labcorp Genetics (formerly Invitae), Labcorp); PubMed 23098067 (cited by Labcorp Genetics (formerly Invitae), Labcorp); PubMed 23631430 (cited by Labcorp Genetics (formerly Invitae), Labcorp); PubMed 25187895 (cited by Labcorp Genetics (formerly Invitae), Labcorp).

NM_000218.3(KCNQ1):c.1660del (p.Val554fs)

Gene: KCNQ1 (potassium voltage-gated channel subfamily Q member 1; plus strand). Cytogenetic location: 11p15.5.
Variant type: Deletion.
Coding change: c.1660del on transcript NM_000218.3 (MANE Select); coding-DNA position 1660, one base deleted (G; older notation c.1660delG).
Protein change: p.Val554fs; shifts the reading frame from valine 554.
Molecular consequence: frameshift variant.
Genome position (GRCh38, 1-based): chr11:2,776,029, G deleted; the last of 2 consecutive G bases (chr11:2,776,028-2,776,029); deleting either gives the same sequence. VCF-style (leftmost placement, unchanged base first): chr11-2776027-TG-T. GRCh37 (hg19) VCF-style: chr11-2797257-TG-T.
Other names: c.1564delG, p.Val522Cysfs (NM_001406836.1); c.1390delG, p.Val464Cysfs (NM_001406837.1); c.1120delG, p.Val374Cysfs (NM_001406838.1); c.1279delG, p.Val427Cysfs (NM_181798.2); short protein forms V427fs, V554fs.
Identifiers: ClinVar variation 2023188 (VCV002023188.6), dbSNP rs794728561, ClinGen allele CA006118.
Genomic context (GRCh38, chr11:2,776,027, plus strand): 5'-GGAAGCCTTACGATGTGCGGGACGTCATTGAGCAGTACTCGCAGGGCCACCTCAACCTCA[TG>T]GTGCGCATCAAGGAGCTGCAGAGGAGGTGGGCACGGCCAAACGGCAGCGGGGAGGGTGCC-3'